The following is an entry in ClinVar:

ClinVar aggregate classification (germline): Uncertain significance (0 of 4 stars; one submission).

Conditions:
FAT1-related disorder. Also called: FAT1-related condition.

Submission:

PreventionGenetics, part of Exact Sciences
Classification: Uncertain significance for FAT1-related condition. Last evaluated: 2023-11-02. Review status: no assertion criteria provided. Collection method: clinical testing. Allele origin: germline.
Comment: The FAT1 c.2273G>C variant is predicted to result in the amino acid substitution p.Gly758Ala. To our knowledge, this variant has not been reported in the literature or in a large population database, indicating this variant is rare. At this time, the clinical significance of this variant is uncertain due to the absence of conclusive functional and genetic evidence.

NM_005245.4(FAT1):c.2273G>C (p.Gly758Ala)

Gene: FAT1 (FAT atypical cadherin 1; minus strand). Cytogenetic location: 4q35.2.
Variant type: single nucleotide variant.
Coding change: c.2273G>C on transcript NM_005245.4 (MANE Select); coding-DNA position 2273, G replaced by C.
Protein change: p.Gly758Ala; replaces glycine 758 with alanine.
Molecular consequence: missense variant.
Genome position (GRCh38, 1-based): chr4:186,707,555, C>G on the plus strand (G>C on the coding strand, the complement: FAT1 is on the minus strand). VCF-style: chr4-186707555-C-G. GRCh37 (hg19) VCF-style: chr4-187628709-C-G.
Other names: short protein forms G758A.
Identifiers: ClinVar variation 3057843 (VCV003057843.2), dbSNP rs1744694504, ClinGen allele CA358987193.
Genomic context (GRCh38, chr4:186,707,555, plus strand): 5'-GATAAAATTTTCAGCATTCCTGTTTCCATATCAATCATGAAGCAACTATCCTCATTTCCT[C>G]CAGAAACAGCATAGACCAGTTTTCCATTGAAGCCAGTGTCAAGGTCAGTGGAGTTCATGA-3'
Protein context (NP_005236.2, residues 748-768): FNGKLVYAVS[Gly758Ala]GNEDSCFMID